The following is an entry in ClinVar:

ClinVar aggregate classification (germline): Uncertain significance (1 of 4 stars; one submission).

Conditions:
Primary dilated cardiomyopathy (DCM). Also called: Dilated Cardiomyopathy. Identifiers: Orphanet 217604, MedGen C0007193, MeSH D002311, MONDO:0005021, HP:0001644. Inheritance: Various modes of inheritance.

gnomAD v4.1: 47 of 1,609,932 alleles (0.0029%); highest among the groups gnomAD compares: Middle Eastern, 0.017%; no homozygotes.

Submission:

Labcorp Genetics (formerly Invitae), Labcorp
Classification: Uncertain significance for Primary dilated cardiomyopathy. Last evaluated: 2024-09-03. Review status: criteria provided, single submitter. Criteria: Invitae Variant Classification Sherloc (09022015). Collection method: clinical testing. Allele origin: germline.
Comment: This sequence change replaces proline, which is neutral and non-polar, with serine, which is neutral and polar, at codon 120 of the TXNRD2 protein (Pro120Ser). The frequency data for this variant in the population databases is considered unreliable, as metrics indicate poor data quality at this position in the gnomAD database. This variant has not been reported in the literature in individuals affected with TXNRD2-related conditions. An algorithm developed to predict the effect of missense changes on protein structure and function (PolyPhen-2) suggests that this variant is likely to be tolerated. In summary, the available evidence is currently insufficient to determine the role of this variant in disease. Therefore, it has been classified as a Variant of Uncertain Significance.

NM_006440.5(TXNRD2):c.358C>T (p.Pro120Ser)

Gene: TXNRD2 (thioredoxin reductase 2; minus strand). Cytogenetic location: 22q11.21.
Variant type: single nucleotide variant.
Coding change: c.358C>T on transcript NM_006440.5 (MANE Select); coding-DNA position 358, C replaced by T.
Protein change: p.Pro120Ser; replaces proline 120 with serine.
Molecular consequence: missense variant. On other transcripts: non-coding transcript variant (1).
Genome position (GRCh38, 1-based): chr22:19,918,876, G>A on the plus strand (C>T on the coding strand, the complement: TXNRD2 is on the minus strand). VCF-style: chr22-19918876-G-A. GRCh37 (hg19) VCF-style: chr22-19906399-G-A.
Other names: c.358C>T, p.Pro120Ser (NM_001282512.3); c.355C>T, p.Pro119Ser (NM_001352300.2); c.268C>T, p.Pro90Ser (NM_001352301.2); c.70C>T, p.Pro24Ser (NM_001352302.2); c.262C>T, p.Pro88Ser (NM_001352303.2); short protein forms P24S, P119S, P120S, P88S, P90S.
Identifiers: ClinVar variation 3696125 (VCV003696125.2).